The following is an entry in ClinVar:

ClinVar aggregate classification (germline): Uncertain significance (1 of 4 stars; one submission).

Conditions:
Hemochromatosis type 4 (HFE4). Also called: HEMOCHROMATOSIS DUE TO DEFECT IN FERROPORTIN; HEMOCHROMATOSIS, AUTOSOMAL DOMINANT; Ferroportin disease. Identifiers: Orphanet 139491, Orphanet 647834, Orphanet 648562, MedGen C1853733, MONDO:0011631, OMIM 606069.

Allele frequency attached by ClinVar (database versions not stated): ExAC 0.00004.

Submission:

Labcorp Genetics (formerly Invitae), Labcorp
Classification: Uncertain significance for Hemochromatosis type 4. Last evaluated: 2022-07-17. Review status: criteria provided, single submitter. Criteria: Invitae Variant Classification Sherloc (09022015). Collection method: clinical testing. Allele origin: germline.
Comment: This sequence change replaces arginine, which is basic and polar, with glycine, which is neutral and non-polar, at codon 9 of the SLC40A1 protein (p.Arg9Gly). This variant is present in population databases (rs747421463, gnomAD 0.004%). This variant has not been reported in the literature in individuals affected with SLC40A1-related conditions. Algorithms developed to predict the effect of missense changes on protein structure and function (SIFT, PolyPhen-2, Align-GVGD) all suggest that this variant is likely to be tolerated. In summary, the available evidence is currently insufficient to determine the role of this variant in disease. Therefore, it has been classified as a Variant of Uncertain Significance.

NM_014585.6(SLC40A1):c.25C>G (p.Arg9Gly)

Gene: SLC40A1 (solute carrier family 40 member 1; minus strand). Cytogenetic location: 2q32.2.
Variant type: single nucleotide variant.
Coding change: c.25C>G on transcript NM_014585.6 (MANE Select); coding-DNA position 25, C replaced by G.
Protein change: p.Arg9Gly; replaces arginine 9 with glycine.
Molecular consequence: missense variant.
Genome position (GRCh38, 1-based): chr2:189,580,436, G>C on the plus strand (C>G on the coding strand, the complement: SLC40A1 is on the minus strand). VCF-style: chr2-189580436-G-C. GRCh37 (hg19) VCF-style: chr2-190445162-G-C.
Other names: short protein forms R9G.
Identifiers: ClinVar variation 1966442 (VCV001966442.5), dbSNP rs747421463, ClinGen allele CA2024342.